The following is an entry in ClinVar:

NM_000548.5(TSC2):c.176G>C (p.Arg59Pro)

Gene: TSC2 (TSC complex subunit 2; plus strand). Cytogenetic location: 16p13.3.
Variant type: single nucleotide variant.
Coding change: c.176G>C on transcript NM_000548.5 (MANE Select); coding-DNA position 176, G replaced by C.
Protein change: p.Arg59Pro; replaces arginine 59 with proline.
Molecular consequence: missense variant. On other transcripts: 5 prime UTR variant (1).
Genome position (GRCh38, 1-based): chr16:2,050,437, G>C. VCF-style: chr16-2050437-G-C. GRCh37 (hg19) VCF-style: chr16-2100438-G-C.
Other names: c.176G>C, p.Arg59Pro (NM_001077183.3, NM_001114382.3, NM_001318827.2 and 4 more transcripts); c.29G>C, p.Arg10Pro (NM_001318829.2); c.-51G>C (NM_001318831.2); c.209G>C, p.Arg70Pro (NM_001318832.2); short protein forms R59P, R70P, R10P.
Identifiers: ClinVar variation 535933 (VCV000535933.8), dbSNP rs1161261925, ClinGen allele CA394303302.
Genomic context (GRCh38, chr16:2,050,437, plus strand): 5'-TTTCTTCTTTCATCTCTCTCCAGGAACTGAGCATGGAATGTGGCCTCAACAATCGCATCC[G>C]GATGATAGGGCAGATTTGTGAAGTCGCAAAAACCAAGAAATTTGAAGAGGTAGGTTTATC-3'
Protein context (NP_000539.2, residues 49-69): SMECGLNNRI[Arg59Pro]MIGQICEVAK

ClinVar aggregate classification (germline): Uncertain significance (1 of 4 stars; one submission).

Conditions:
Tuberous sclerosis 2 (TSC2). Identifiers: Orphanet 805, MedGen C1860707, MONDO:0013199, OMIM 613254.

Submission:

Labcorp Genetics (formerly Invitae), Labcorp
Classification: Uncertain significance for Tuberous sclerosis 2. Last evaluated: 2017-09-11. Review status: criteria provided, single submitter. Criteria: Invitae Variant Classification Sherloc (09022015). Collection method: clinical testing. Allele origin: germline.
Comment: This sequence change replaces arginine with proline at codon 59 of the TSC2 protein (p.Arg59Pro). The arginine residue is highly conserved and there is a moderate physicochemical difference between arginine and proline. This variant is not present in population databases (ExAC no frequency). This variant has not been reported in the literature in individuals with TSC2-related disease. Algorithms developed to predict the effect of missense changes on protein structure and function do not agree on the potential impact of this missense change (SIFT: "Deleterious"; PolyPhen-2: "Probably Damaging"; Align-GVGD: "Class C0"). In summary, the available evidence is currently insufficient to determine the role of this variant in disease. Therefore, it has been classified as a Variant of Uncertain Significance.